The following is an entry in ClinVar:

NM_001040108.2(MLH3):c.1560G>T (p.Glu520Asp)

Gene: MLH3 (mutL homolog 3; minus strand). Cytogenetic location: 14q24.3.
Variant type: single nucleotide variant.
Coding change: c.1560G>T on transcript NM_001040108.2 (MANE Select); coding-DNA position 1560, G replaced by T.
Protein change: p.Glu520Asp; replaces glutamic acid 520 with aspartic acid.
Molecular consequence: missense variant.
Genome position (GRCh38, 1-based): chr14:75,048,096, C>A on the plus strand (G>T on the coding strand, the complement: MLH3 is on the minus strand). VCF-style: chr14-75048096-C-A. GRCh37 (hg19) VCF-style: chr14-75514799-C-A.
Other names: c.1560G>T, p.Glu520Asp (NM_014381.3); short protein forms E520D.
Identifiers: ClinVar variation 314387 (VCV000314387.14), dbSNP rs886050776, ClinGen allele CA10635341.

ClinVar aggregate classification (germline): Uncertain significance. Review status: criteria provided, multiple submitters, no conflicts (2 of 4 stars). 3 submissions from 3 submitters: Uncertain significance (3). Last evaluated 2025-12-08.

Conditions:
Colorectal cancer, hereditary nonpolyposis, type 7. Identifiers: Orphanet 144, MedGen C1858380, MONDO:0013725, OMIM 614385.

Allele frequency attached by ClinVar (database versions not stated): TOPMed below 0.00001; gnomAD 0.00001; gnomAD exomes 0.00001.
gnomAD v4.1: 74 of 1,614,180 alleles (0.0046%); highest among the groups gnomAD compares: East Asian, 0.16%; no homozygotes.

Submissions (3):

Labcorp Genetics (formerly Invitae), Labcorp
Classification: Uncertain significance for Colorectal cancer, hereditary nonpolyposis, type 7. Last evaluated: 2025-12-08. Review status: criteria provided, single submitter. Criteria: Invitae Variant Classification Sherloc (09022015). Collection method: clinical testing. Allele origin: germline.
Comment: This sequence change replaces glutamic acid, which is acidic and polar, with aspartic acid, which is acidic and polar, at codon 520 of the MLH3 protein (p.Glu520Asp). This variant is present in population databases (no rsID available, gnomAD 0.01%). This variant has not been reported in the literature in individuals affected with MLH3-related conditions. ClinVar contains an entry for this variant (Variation ID: 314387). An algorithm developed to predict the effect of missense changes on protein structure and function outputs the following: PolyPhen-2: "Benign". The aspartic acid amino acid residue is found in multiple mammalian species, which suggests that this missense change does not adversely affect protein function. In summary, the available evidence is currently insufficient to determine the role of this variant in disease. Therefore, it has been classified as a Variant of Uncertain Significance.

Ambry Genetics
Classification: Uncertain significance. Last evaluated: 2023-09-20. Review status: criteria provided, single submitter. Criteria: Ambry Variant Classification Scheme 2023. Collection method: clinical testing. Allele origin: germline.
Comment: The p.E520D variant (also known as c.1560G>T), located in coding exon 1 of the MLH3 gene, results from a G to T substitution at nucleotide position 1560. The glutamic acid at codon 520 is replaced by aspartic acid, an amino acid with highly similar properties. This amino acid position is not well conserved in available vertebrate species. In addition, this alteration is predicted to be tolerated by in silico analysis. Since supporting evidence is limited at this time, the clinical significance of this alteration remains unclear.

Illumina Laboratory Services, Illumina
Classification: Uncertain significance for Colorectal cancer, hereditary nonpolyposis, type 7. Last evaluated: 2018-01-13. Review status: criteria provided, single submitter. Criteria: ICSL Variant Classification Criteria 13 December 2019. Collection method: clinical testing. Allele origin: germline.